The following is an entry in ClinVar:

ClinVar aggregate classification (germline): Uncertain significance. Review status: criteria provided, multiple submitters, no conflicts (2 of 4 stars). 4 submissions from 4 submitters: Uncertain significance (4). Last evaluated 2025-10-02.

Conditions:
Cystic fibrosis (CF). Also called: MUCOVISCIDOSIS. Identifiers: Orphanet 586, MedGen C0010674, MONDO:0009061, OMIM 219700. Disease mechanism: loss of function.

Submissions (4):

GeneDx
Classification: Uncertain significance. Last evaluated: 2025-10-02. Review status: criteria provided, single submitter. Criteria: GeneDx Variant Classification Process June 2021. Collection method: clinical testing. Allele origin: germline. Affected: yes.
Comment: Also known as c.1210-6delT, IVS8 6T, IVS8 T6, 1342-12 to 1342-6 delT, 1342-6delT; referred to as the 6T allele; Observed with another variant for which phase was unknown, in patients with congenital absence of vas deferens in the published literature (PMID: 15070876, 15562283); Observed in the heterozygous state in individuals with bronchiectasis and chronic pancreatitis (PMID: 12952861, 25492507); This variant is associated with the following publications: (PMID: 17539902, 18350634, 16212675, 15121783, 15070876, 23554779, 12952861, 30811104, 22191729, 15562283, 23092102, 30450785, 25492507, 20879059, 32757986, 40065563)

Mayo Clinic Laboratories, Mayo Clinic
Classification: Uncertain significance. Last evaluated: 2025-04-09. Review status: criteria provided, single submitter. Criteria: ACMG Guidelines, 2015. Collection method: clinical testing. Allele origin: germline. Observed: 3 variant alleles.

Genome-Nilou Lab
Classification: Uncertain significance for Cystic fibrosis. Last evaluated: 2021-09-05. Review status: criteria provided, single submitter. Criteria: ACMG Guidelines, 2015. Collection method: clinical testing. Allele origin: germline. Affected: no.

Women's Health and Genetics/Laboratory Corporation of America, LabCorp
Classification: Uncertain significance. Last evaluated: 2020-01-17. Review status: criteria provided, single submitter. Criteria: LabCorp Variant Classification Summary - May 2015. Collection method: clinical testing. Allele origin: germline.
Comment: Variant summary: CFTR c.1210-12[6] (also known as 6T allele or c.1210-6delT) involves the deletion of an intronic thymine nucleotide from a poly-T tract that is adjacent to a polymorphic TG repeat motif. 4/4 computational tools predict no significant impact on normal splicing. However, these predictions have yet to be confirmed by functional studies. The variant allele was found at a frequency of 4.8e-05 in 247720 control chromosomes (gnomAD and publications). The available data on variant occurrences in the general population are insufficient to allow any conclusion about variant significance. The variant has been reported in non-CF individuals in the literature including individuals affected with bronchial asthma, chronic bronchitis, bronchiectasis, CBAVD and chronic pancreatitis (e.g. Dayangac_2004, Lee_2003, Nakano_2015, Rohlfs_2003, Viel_2005, Wang_2012) but also, in East Asian controls (e.g. Fujiki_2004, Chang_2007, Huang_2008, Jin_2012, Iso_2019). These reports do not provide unequivocal conclusions about association of the variant with Cystic Fibrosis. To our knowledge, no experimental evidence demonstrating an impact on protein function has been reported. No clinical diagnostic laboratories have submitted clinical-significance assessments for this variant to ClinVar after 2014. Based on the evidence outlined above, the variant was classified as uncertain significance until additional evidence of clinical and functional importance becomes available.

Literature cited by the submitters: PubMed 15562283 (cited by Mayo Clinic Laboratories, Mayo Clinic and Women's Health and Genetics/Laboratory Corporation of America, LabCorp); PubMed 22191729 (cited by Mayo Clinic Laboratories, Mayo Clinic and Women's Health and Genetics/Laboratory Corporation of America, LabCorp); PubMed 15070876 (cited by Women's Health and Genetics/Laboratory Corporation of America, LabCorp); PubMed 15121783 (cited by Women's Health and Genetics/Laboratory Corporation of America, LabCorp); PubMed 12952861 (cited by Women's Health and Genetics/Laboratory Corporation of America, LabCorp); PubMed 17539902 (cited by Women's Health and Genetics/Laboratory Corporation of America, LabCorp); PubMed 20879059 (cited by Women's Health and Genetics/Laboratory Corporation of America, LabCorp); PubMed 16212675 (cited by Women's Health and Genetics/Laboratory Corporation of America, LabCorp); PubMed 23554779 (cited by Women's Health and Genetics/Laboratory Corporation of America, LabCorp); PubMed 18350634 (cited by Women's Health and Genetics/Laboratory Corporation of America, LabCorp); PubMed 25492507 (cited by Women's Health and Genetics/Laboratory Corporation of America, LabCorp); PubMed 30992994 (cited by Women's Health and Genetics/Laboratory Corporation of America, LabCorp); PubMed 23092102 (cited by Women's Health and Genetics/Laboratory Corporation of America, LabCorp).

NM_000492.4(CFTR):c.1210-6del

Genes: CFTR (CF transmembrane conductance regulator; plus strand), CFTR-AS1 (CFTR antisense RNA 1; minus strand). Cytogenetic location: 7q31.2.
Variant type: Deletion.
Coding change: c.1210-6del on transcript NM_000492.4 (MANE Select); 6 bases into the intron before coding-DNA position 1210, one base deleted (T; older notation c.1210-6delT).
Molecular consequence: intron variant.
Genome position (GRCh38, 1-based): chr7:117,548,635, T deleted; the last of 7 consecutive T bases (chr7:117,548,629-117,548,635); deleting any one gives the same sequence. VCF-style (leftmost placement, unchanged base first): chr7-117548628-GT-G. GRCh37 (hg19) VCF-style: chr7-117188682-GT-G.
Other names: p.?; c.1210-12T[6] (NM_000492.4); c.1210-6delT (NM_000492.3); c.1210-12[6] (NM_000492.3).
Identifiers: ClinVar variation 495892 (VCV000495892.11), dbSNP rs1805177, ClinGen allele CA118641.
Genomic context (GRCh38, chr7:117,548,628, plus strand): 5'-CTATTGAAAATATCTGACAAACTCATCTTTTATTTTTGATGTGTGTGTGTGTGTGTGTGT[GT>G]TTTTTTAACAGGGATTTGGGGAATTATTTGAGAAAGCAAAACAAAACAATAACAATAGAA-3'